The following is an entry in ClinVar:

ClinVar aggregate classification (germline): Uncertain significance (1 of 4 stars; one submission).

Conditions:
Hereditary cancer-predisposing syndrome. Also called: Neoplastic Syndromes, Hereditary; Tumor predisposition; Hereditary Cancer Syndrome; Hereditary neoplastic syndrome. Identifiers: Orphanet 140162, MedGen C0027672, MeSH D009386, MONDO:0015356.

gnomAD v4.1: 2 of 1,613,456 alleles (0.00012%); highest among the groups gnomAD compares: East Asian, 0.0022%; no homozygotes.

Submission:

Ambry Genetics
Classification: Uncertain significance for Hereditary cancer-predisposing syndrome. Last evaluated: 2022-07-22. Review status: criteria provided, single submitter. Criteria: Ambry Variant Classification Scheme 2023. Collection method: clinical testing. Allele origin: germline.
Comment: The p.G75V variant (also known as c.224G>T), located in coding exon 3 of the NBN gene, results from a G to T substitution at nucleotide position 224. The glycine at codon 75 is replaced by valine, an amino acid with dissimilar properties. This amino acid position is highly conserved in available vertebrate species. In addition, this alteration is predicted to be deleterious by in silico analysis. Since supporting evidence is limited at this time, the clinical significance of this alteration remains unclear.

NM_002485.5(NBN):c.224G>T (p.Gly75Val)

Gene: NBN (nibrin; minus strand). Cytogenetic location: 8q21.3.
Variant type: single nucleotide variant.
Coding change: c.224G>T on transcript NM_002485.5 (MANE Select); coding-DNA position 224, G replaced by T.
Protein change: p.Gly75Val; replaces glycine 75 with valine.
Molecular consequence: missense variant. On other transcripts: 5 prime UTR variant (1).
Genome position (GRCh38, 1-based): chr8:89,981,471, C>A on the plus strand (G>T on the coding strand, the complement: NBN is on the minus strand). VCF-style: chr8-89981471-C-A. GRCh37 (hg19) VCF-style: chr8-90993699-C-A.
Other names: c.-23G>T (NM_001024688.3); short protein forms G75V.
Identifiers: ClinVar variation 1788407 (VCV001788407.2), dbSNP rs587782179, ClinGen allele CA371662532.